The following is an entry in ClinVar:

NM_002615.7(SERPINF1):c.553C>T (p.Gln185Ter)

Gene: SERPINF1 (serpin family F member 1; plus strand). Cytogenetic location: 17p13.3.
Variant type: single nucleotide variant.
Coding change: c.553C>T on transcript NM_002615.7 (MANE Select); coding-DNA position 553, C replaced by T.
Protein change: p.Gln185Ter; replaces glutamine 185 with a stop codon.
Molecular consequence: nonsense. On other transcripts: 5 prime UTR variant (2).
Genome position (GRCh38, 1-based): chr17:1,771,985, C>T. VCF-style: chr17-1771985-C-T. GRCh37 (hg19) VCF-style: chr17-1675279-C-T.
Other names: c.553C>T, p.Gln185Ter (NM_001329903.2); c.-9C>T (NM_001329904.2, NM_001329905.2); short protein forms Q185*.
Identifiers: ClinVar variation 1962411 (VCV001962411.6), dbSNP rs1341566934, ClinGen allele CA397586425.

ClinVar aggregate classification (germline): Pathogenic. Review status: criteria provided, multiple submitters, no conflicts (2 of 4 stars). 2 submissions from 2 submitters: Pathogenic (2). Last evaluated 2024-03-28.

Conditions:
Osteogenesis imperfecta type 6. Also called: Osteogenesis imperfecta, type VI. Identifiers: Orphanet 666, MedGen C3279564, MONDO:0013515, OMIM 613982.

Submissions (2):

Fulgent Genetics
Classification: Pathogenic for Osteogenesis imperfecta type 6. Last evaluated: 2024-03-28. Review status: criteria provided, single submitter. Criteria: ACMG Guidelines, 2015. Collection method: clinical testing. Allele origin: germline.

Labcorp Genetics (formerly Invitae), Labcorp
Classification: Pathogenic. Last evaluated: 2022-03-19. Review status: criteria provided, single submitter. Criteria: Invitae Variant Classification Sherloc (09022015). Collection method: clinical testing. Allele origin: germline.
Comment: For these reasons, this variant has been classified as Pathogenic. This premature translational stop signal has been observed in individual(s) with osteogenesis imperfecta (PMID: 33093841). This variant is present in population databases (no rsID available, gnomAD 0.02%). This sequence change creates a premature translational stop signal (p.Gln185*) in the SERPINF1 gene. It is expected to result in an absent or disrupted protein product. Loss-of-function variants in SERPINF1 are known to be pathogenic (PMID: 21353196, 21826736).

Literature cited by the submitters: PubMed 33093841 (cited by Labcorp Genetics (formerly Invitae), Labcorp); PubMed 21353196 (cited by Labcorp Genetics (formerly Invitae), Labcorp); PubMed 21826736 (cited by Labcorp Genetics (formerly Invitae), Labcorp).